The following is an entry in ClinVar:

ClinVar aggregate classification (germline): Conflicting classifications of pathogenicity. Review status: criteria provided, conflicting classifications (1 of 4 stars). 11 submissions from 11 submitters: Uncertain significance (4); Likely benign (7). Last evaluated 2026-02-03.

Conditions:
Cardiovascular phenotype. Identifiers: MedGen CN230736.
Cardiomyopathy (CMYO). Also called: Cardiomyopathies. Identifiers: Orphanet 167848, MedGen C0878544, MONDO:0004994, HP:0001638. Inheritance: Various modes of inheritance.
FLNC-related disorder. Also called: FLNC-related condition; FLNC-related disorders.
Hypertrophic cardiomyopathy 26. Also called: Cardiomyopathy, familial hypertrophic, 26. Identifiers: Orphanet 75249, MedGen C4310749, MONDO:0014883, OMIM 617047.
Myofibrillar myopathy 5. Also called: Filaminopathy (type); FILAMINOPATHY, AUTOSOMAL DOMINANT. Identifiers: Orphanet 171445, MedGen C1836050, MONDO:0012289, OMIM 609524.
Distal myopathy with posterior leg and anterior hand involvement. Also called: WILLIAMS DISTAL MYOPATHY. Identifiers: Orphanet 63273, MedGen C3279722, MONDO:0013550, OMIM 614065.

Allele frequency attached by ClinVar (database versions not stated): ESP Exome Variant Server 0.00008; 1000 Genomes Project 0.00020; ExAC 0.00024; TOPMed 0.00026; gnomAD exomes 0.00027 and 0.00044; gnomAD 0.00028 and 0.00029; 1000 Genomes Project 30x 0.00031.
gnomAD v4.1: 673 of 1,614,154 alleles (0.042%); highest among the groups gnomAD compares: Non-Finnish European, 0.052%; 1 homozygote.

Submissions (11):

Labcorp Genetics (formerly Invitae), Labcorp
Classification: Likely benign for Distal myopathy with posterior leg and anterior hand involvement; Myofibrillar myopathy 5; Hypertrophic cardiomyopathy 26. Last evaluated: 2026-02-03. Review status: criteria provided, single submitter. Criteria: Invitae Variant Classification Sherloc (09022015). Collection method: clinical testing. Allele origin: germline.

Women's Health and Genetics/Laboratory Corporation of America, LabCorp
Classification: Likely benign. Last evaluated: 2026-01-26. Review status: criteria provided, single submitter. Criteria: LabCorp Variant Classification Summary - May 2015. Collection method: clinical testing. Allele origin: germline.
Comment: Variant summary: FLNC c.1474A>G (p.Lys492Glu) results in a conservative amino acid change in the encoded protein sequence. Algorithms developed to predict the effect of missense changes on protein structure and function are either unavailable or do not agree on the potential impact of this missense change. The variant allele was found at a frequency of 0.00027 in 249444 control chromosomes. The observed variant frequency exceeds the estimated maximal expected allele frequency for disease-causing variants in FLNC. c.1474A>G has been observed in individuals from hypertrophic and dilated cardiomyopathy cohorts with limited detail (e.g. Gomez_2017 and van Lint_2019). These reports do not provide unequivocal conclusions about association of the variant with Dilated Cardiomyopathy. To our knowledge, no experimental evidence demonstrating an impact on protein function has been reported. The following publications have been ascertained in the context of this evaluation (PMID: 28356264, 30847666). ClinVar contains an entry for this variant (Variation ID: 471978). Based on the evidence outlined above, the variant was classified as likely benign.

Mayo Clinic Laboratories, Mayo Clinic
Classification: Likely benign. Last evaluated: 2025-11-12. Review status: criteria provided, single submitter. Criteria: ACMG Guidelines, 2015. Collection method: clinical testing. Allele origin: germline. Observed: 1 variant allele.

Ambry Genetics
Classification: Uncertain significance for Cardiovascular phenotype. Last evaluated: 2025-10-01. Review status: criteria provided, single submitter. Criteria: Ambry Variant Classification Scheme 2023. Collection method: clinical testing. Allele origin: germline.
Comment: The p.K492E variant (also known as c.1474A>G), located in coding exon 9 of the FLNC gene, results from an A to G substitution at nucleotide position 1474. The lysine at codon 492 is replaced by glutamic acid, an amino acid with similar properties. This variant has been detected in patients from hypertrophic and dilated cardiomyopathy cohorts with limited detail, and in cohorts not selected for cardiovascular diagnoses including in a Rett syndrome cohort and a frontotemporal dementia cohort (Janssens J et al. Acta Neuropathol Commun. 2015 Nov;3:68; G&oacute;mez J et al. Circ Cardiovasc Genet, 2017 Apr;10; Sajan SA et al. Genet. Med., 2017 01;19:13-19; van Lint FHM et al. Neth Heart J, 2019 Jun;27:304-309). This amino acid position is well conserved in available vertebrate species. In addition, the in silico prediction for this alteration is inconclusive. Based on the available evidence, the clinical significance of this variant remains unclear.

Molecular Diagnostic Laboratory for Inherited Cardiovascular Disease, Montreal Heart Institute
Classification: Likely benign. Last evaluated: 2025-07-24. Review status: criteria provided, single submitter. Criteria: ACMG Guidelines, 2015. Collection method: clinical testing. Allele origin: germline. Affected: no.
Comment: BS1, BP5

Revvity Omics, Revvity
Classification: Uncertain significance. Last evaluated: 2025-05-21. Review status: criteria provided, single submitter. Criteria: ACMG Guidelines, 2015. Collection method: clinical testing. Allele origin: germline.

PreventionGenetics, part of Exact Sciences
Classification: Likely benign for FLNC-related condition. Last evaluated: 2025-05-19. Review status: criteria provided, single submitter. Criteria: ACMG Guidelines, 2015. Collection method: clinical testing. Allele origin: germline.
Comment: This variant is classified as likely benign based on ACMG/AMP sequence variant interpretation guidelines (Richards et al. 2015 PMID: 25741868, with internal and published modifications).

Blueprint Genetics
Classification: Uncertain significance. Last evaluated: 2024-11-13. Review status: criteria provided, single submitter. Criteria: ACMG Guidelines, 2015. Collection method: clinical testing. Allele origin: germline.

CeGaT Center for Human Genetics Tuebingen
Classification: Likely benign. Last evaluated: 2024-02-01. Review status: criteria provided, single submitter. Criteria: CeGaT Center For Human Genetics Tuebingen Variant Classification Criteria Version 2. Collection method: clinical testing. Allele origin: germline. Affected: yes. Observed: 1 variant allele.
Comment: FLNC: BS1

CHEO Genetics Diagnostic Laboratory, Children's Hospital of Eastern Ontario
Classification: Likely benign for Cardiomyopathy. Last evaluated: 2021-09-21. Review status: criteria provided, single submitter. Criteria: ACMG Guidelines, 2015. Collection method: clinical testing. Allele origin: germline.

Breakthrough Genomics
Classification: Uncertain significance. Review status: criteria provided, single submitter. Criteria: ACMG Guidelines, 2015. Collection method: not provided. Allele origin: germline. Inheritance: Autosomal recessive inheritance. Affected: yes.

Literature cited by the submitters: PubMed 28356264 (cited by Women's Health and Genetics/Laboratory Corporation of America, LabCorp and Ambry Genetics); PubMed 30847666 (cited by 3 submitters); PubMed 26555887 (cited by Ambry Genetics); PubMed 27171548 (cited by Ambry Genetics).

NM_001458.5(FLNC):c.1474A>G (p.Lys492Glu)

Gene: FLNC (filamin C; plus strand). Cytogenetic location: 7q32.1.
Variant type: single nucleotide variant.
Coding change: c.1474A>G on transcript NM_001458.5 (MANE Select); coding-DNA position 1474, A replaced by G.
Protein change: p.Lys492Glu; replaces lysine 492 with glutamic acid.
Molecular consequence: missense variant.
Genome position (GRCh38, 1-based): chr7:128,840,085, A>G. VCF-style: chr7-128840085-A-G. GRCh37 (hg19) VCF-style: chr7-128480139-A-G.
Other names: p.Lys492Glu; c.1474A>G, p.Lys492Glu (NM_001127487.2); short protein forms K492E.
Identifiers: ClinVar variation 471978 (VCV000471978.51), dbSNP rs118056738, ClinGen allele CA4474355.
Genomic context (GRCh38, chr7:128,840,085, plus strand): 5'-TGTAACCCCAACGCCTGCCGCGCCTCTGGGCGAGGCCTGCAGCCCAAGGGTGTTCGCGTG[A>G]AAGAGGTGGCTGACTTCAAGGTGTTTACCAAGGGTGCCGGCAGCGGGGAGCTCAAGGTCA-3'
Protein context (NP_001449.3, residues 482-502): RGLQPKGVRV[Lys492Glu]EVADFKVFTK